The following is an entry in ClinVar:

ClinVar aggregate classification (germline): Benign (1 of 4 stars; one submission).

Conditions:
Sessile serrated polyposis cancer syndrome (SSPCS). Identifiers: Orphanet 157798, MedGen C4310714, MONDO:0014919, OMIM 617108.

gnomAD v4.1: 1 of 1,490,534 alleles (0.000067%); highest among the groups gnomAD compares: Non-Finnish European, 0.000089%; no homozygotes.

Submission:

Myriad Genetics, Inc.
Classification: Benign for Sessile serrated polyposis cancer syndrome. Last evaluated: 2026-07-01. Review status: criteria provided, single submitter. Criteria: Myriad Autosomal Dominant, Autosomal Recessive and X-Linked Classification Criteria (2023). Collection method: clinical testing. Allele origin: unknown.
Comment: This variant is considered benign. This variant is a silent/synonymous amino acid change and it is not expected to impact splicing.

NM_017763.6(RNF43):c.954G>A (p.Glu318=)

Gene: RNF43 (ring finger protein 43; minus strand). Cytogenetic location: 17q22.
Variant type: single nucleotide variant.
Coding change: c.954G>A on transcript NM_017763.6 (MANE Select); coding-DNA position 954, G replaced by A.
Protein change: p.Glu318=; no amino-acid change (glutamic acid 318 retained).
Molecular consequence: synonymous variant.
Genome position (GRCh38, 1-based): chr17:58,358,822, C>T on the plus strand (G>A on the coding strand, the complement: RNF43 is on the minus strand). VCF-style: chr17-58358822-C-T. GRCh37 (hg19) VCF-style: chr17-56436183-C-T.
Other names: c.954G>A, p.Glu318= (NM_001305544.3, NM_001438820.1, NM_001438821.1 and 1 more transcripts); c.573G>A, p.Glu191= (NM_001305545.2, NM_001437987.1).
Identifiers: ClinVar variation 5042415 (VCV005042415.1).